The following is an entry in ClinVar:

NM_000434.4(NEU1):c.263G>A (p.Gly88Asp)

Gene: NEU1 (neuraminidase 1; minus strand). Cytogenetic location: 6p21.33.
Variant type: single nucleotide variant.
Coding change: c.263G>A on transcript NM_000434.4 (MANE Select); coding-DNA position 263, G replaced by A.
Protein change: p.Gly88Asp; replaces glycine 88 with aspartic acid.
Molecular consequence: missense variant.
Genome position (GRCh38, 1-based): chr6:31,862,088, C>T on the plus strand (G>A on the coding strand, the complement: NEU1 is on the minus strand). VCF-style: chr6-31862088-C-T. GRCh37 (hg19) VCF-style: chr6-31829865-C-T.
Other names: short protein forms G88D.
Identifiers: ClinVar variation 1511393 (VCV001511393.6), dbSNP rs34712643, ClinGen allele CA363496159.

ClinVar aggregate classification (germline): Uncertain significance (1 of 4 stars; one submission).

Submission:

Labcorp Genetics (formerly Invitae), Labcorp
Classification: Uncertain significance. Last evaluated: 2022-07-19. Review status: criteria provided, single submitter. Criteria: Invitae Variant Classification Sherloc (09022015). Collection method: clinical testing. Allele origin: germline.
Comment: In summary, the available evidence is currently insufficient to determine the role of this variant in disease. Therefore, it has been classified as a Variant of Uncertain Significance. Algorithms developed to predict the effect of missense changes on protein structure and function are either unavailable or do not agree on the potential impact of this missense change (SIFT: "Deleterious"; PolyPhen-2: "Probably Damaging"; Align-GVGD: "Class C0"). ClinVar contains an entry for this variant (Variation ID: 1511393). This variant has not been reported in the literature in individuals affected with NEU1-related conditions. This variant is not present in population databases (gnomAD no frequency). This sequence change replaces glycine, which is neutral and non-polar, with aspartic acid, which is acidic and polar, at codon 88 of the NEU1 protein (p.Gly88Asp).